The following is an entry in ClinVar:

ClinVar aggregate classification (germline): Uncertain significance (1 of 4 stars; one submission).

Conditions:
Immunodeficiency 39 (IMD39). Identifiers: Orphanet 574918, MedGen C4225358, MONDO:0014597, OMIM 616345.

Allele frequency attached by ClinVar (database versions not stated): ExAC 0.00001; gnomAD 0.00003; gnomAD exomes 0.00003; TOPMed 0.00005.
gnomAD v4.1: 224 of 1,612,974 alleles (0.014%); highest among the groups gnomAD compares: Non-Finnish European, 0.018%; no homozygotes.

Submission:

Labcorp Genetics (formerly Invitae), Labcorp
Classification: Uncertain significance for Immunodeficiency 39. Last evaluated: 2025-10-06. Review status: criteria provided, single submitter. Criteria: Invitae Variant Classification Sherloc (09022015). Collection method: clinical testing. Allele origin: germline.
Comment: This sequence change replaces alanine, which is neutral and non-polar, with valine, which is neutral and non-polar, at codon 223 of the IRF7 protein (p.Ala223Val). This variant is present in population databases (rs202174691, gnomAD 0.007%). This variant has not been reported in the literature in individuals affected with IRF7-related conditions. ClinVar contains an entry for this variant (Variation ID: 542693). Invitae Evidence Modeling of protein sequence and biophysical properties (such as structural, functional, and spatial information, amino acid conservation, physicochemical variation, residue mobility, and thermodynamic stability) indicates that this missense variant is not expected to disrupt IRF7 protein function with a negative predictive value of 80%. Algorithms developed to predict the effect of sequence changes on RNA splicing suggest that this variant may create or strengthen a splice site. In summary, the available evidence is currently insufficient to determine the role of this variant in disease. Therefore, it has been classified as a Variant of Uncertain Significance.

NM_001572.5(IRF7):c.629C>T (p.Ala210Val)

Gene: IRF7 (interferon regulatory factor 7; minus strand). Cytogenetic location: 11p15.5.
Variant type: single nucleotide variant.
Coding change: c.629C>T on transcript NM_001572.5 (MANE Select); coding-DNA position 629, C replaced by T.
Protein change: p.Ala210Val; replaces alanine 210 with valine.
Molecular consequence: missense variant.
Genome position (GRCh38, 1-based): chr11:614,224, G>A on the plus strand (C>T on the coding strand, the complement: IRF7 is on the minus strand). VCF-style: chr11-614224-G-A. GRCh37 (hg19) VCF-style: chr11-614224-G-A.
Other names: c.629C>T, p.Ala210Val (LRG_1313t1, NM_004029.4); c.668C>T, p.Ala223Val (NM_004031.4); short protein forms A210V, A223V.
Identifiers: ClinVar variation 542693 (VCV000542693.8), dbSNP rs202174691, ClinGen allele CA5783886.